The following is an entry in ClinVar:

NM_000388.4(CASR):c.2064C>G (p.Phe688Leu)

Gene: CASR (calcium sensing receptor; plus strand). Cytogenetic location: 3q21.1.
Variant type: single nucleotide variant.
Coding change: c.2064C>G on transcript NM_000388.4 (MANE Select); coding-DNA position 2064, C replaced by G.
Protein change: p.Phe688Leu; replaces phenylalanine 688 with leucine.
Molecular consequence: missense variant.
Genome position (GRCh38, 1-based): chr3:122,284,018, C>G. VCF-style: chr3-122284018-C-G. GRCh37 (hg19) VCF-style: chr3-122002865-C-G.
Other names: c.2094C>G, p.Phe698Leu (NM_001178065.2); short protein forms F698L, F688L.
Identifiers: ClinVar variation 864802 (VCV000864802.11), dbSNP rs150869744, ClinGen allele CA354158414.

ClinVar aggregate classification (germline): Uncertain significance. Review status: criteria provided, multiple submitters, no conflicts (2 of 4 stars). 2 submissions from 2 submitters: Uncertain significance (2). Last evaluated 2023-02-16.

Conditions:
Familial hypocalciuric hypercalcemia (FHH). Also called: Familial benign hypercalcemia. Identifiers: Orphanet 405, MedGen C1809471, MONDO:0018458.
Autosomal dominant hypocalcemia 1 (HYPOC1). Also called: HYPOCALCEMIA, FAMILIAL. Identifiers: MedGen C3715128, MONDO:0011013, OMIM 601198.
Nephrolithiasis/nephrocalcinosis. Identifiers: MedGen CN580796.

Submissions (2):

Ambry Genetics
Classification: Uncertain significance for Nephrolithiasis/nephrocalcinosis. Last evaluated: 2023-02-16. Review status: criteria provided, single submitter. Criteria: Ambry Variant Classification Scheme 2023. Collection method: clinical testing. Allele origin: germline.
Comment: The p.F688L variant (also known as c.2064C>G), located in coding exon 6 of the CASR gene, results from a C to G substitution at nucleotide position 2064. The phenylalanine at codon 688 is replaced by leucine, an amino acid with highly similar properties. This amino acid position is conserved. In addition, this alteration is predicted to be deleterious by in silico analysis. Since supporting evidence is limited at this time, the clinical significance of this alteration remains unclear.

Labcorp Genetics (formerly Invitae), Labcorp
Classification: Uncertain significance for Familial hypocalciuric hypercalcemia; Autosomal dominant hypocalcemia 1. Last evaluated: 2021-02-27. Review status: criteria provided, single submitter. Criteria: Invitae Variant Classification Sherloc (09022015). Collection method: clinical testing. Allele origin: germline.
Comment: This variant has not been reported in the literature in individuals with CASR-related conditions. Algorithms developed to predict the effect of missense changes on protein structure and function are either unavailable or do not agree on the potential impact of this missense change (SIFT: "Deleterious"; PolyPhen-2: "Probably Damaging"; Align-GVGD: "Class C15"). In summary, the available evidence is currently insufficient to determine the role of this variant in disease. Therefore, it has been classified as a Variant of Uncertain Significance. This sequence change replaces phenylalanine with leucine at codon 688 of the CASR protein (p.Phe688Leu). The phenylalanine residue is highly conserved and there is a small physicochemical difference between phenylalanine and leucine. This variant is not present in population databases (ExAC no frequency).